The following is an entry in ClinVar:

ClinVar aggregate classification (germline): Uncertain significance. Review status: criteria provided, multiple submitters, no conflicts (2 of 4 stars). 2 submissions from 2 submitters: Uncertain significance (2). Last evaluated 2025-04-28.

Submissions (2):

Labcorp Genetics (formerly Invitae), Labcorp
Classification: Uncertain significance. Last evaluated: 2025-04-28. Review status: criteria provided, single submitter. Criteria: Invitae Variant Classification Sherloc (09022015). Collection method: clinical testing. Allele origin: germline.
Comment: This variant, c.6277_6282del, results in the deletion of 2 amino acid(s) of the CHD8 protein (p.Ser2093_Ser2094del), but otherwise preserves the integrity of the reading frame. This variant is not present in population databases (gnomAD no frequency). This variant has not been reported in the literature in individuals affected with CHD8-related conditions. ClinVar contains an entry for this variant (Variation ID: 1305679). Experimental studies and prediction algorithms are not available or were not evaluated, and the functional significance of this variant is currently unknown. In summary, the available evidence is currently insufficient to determine the role of this variant in disease. Therefore, it has been classified as a Variant of Uncertain Significance.

GeneDx
Classification: Uncertain significance. Last evaluated: 2019-05-15. Review status: criteria provided, single submitter. Criteria: GeneDx Variant Classification Process June 2021. Collection method: clinical testing. Allele origin: germline. Affected: yes.
Comment: Not observed in large population cohorts (Lek et al., 2016); In silico analysis, which includes protein predictors and evolutionary conservation, supports a deleterious effect; Has not been previously published as pathogenic or benign to our knowledge

NM_001170629.2(CHD8):c.6265TCCAGC[2] (p.Ser2093_Ser2094del)

Gene: CHD8 (chromodomain helicase DNA binding protein 8; minus strand). Cytogenetic location: 14q11.2.
Variant type: Microsatellite.
Coding change: c.6265TCCAGC[2] on transcript NM_001170629.2 (MANE Select); two copies in a row of the 6-base unit TCCAGC starting at c.6265; the reference has three copies in a row; one copy, 6 bases deleted.
Protein change: p.Ser2093_Ser2094del.
Molecular consequence: inframe deletion.
Genome position (GRCh38, 1-based): chr14:21,393,513-21,393,518, GCTGGA deleted on the plus strand (TCCAGC on the coding strand, the reverse complement: CHD8 is on the minus strand); deleting any 6 consecutive bases within chr14:21,393,513-21,393,530 gives the same sequence; the position shown is the placement nearest the transcript's 3' end. VCF-style (leftmost placement, unchanged base first): chr14-21393512-TGCTGGA-T. GRCh37 (hg19) VCF-style: chr14-21861671-TGCTGGA-T.
Other names: c.5428TCCAGC[2], p.Ser1814_Ser1815del (NM_020920.4).
Identifiers: ClinVar variation 1305679 (VCV001305679.7), dbSNP rs749933003, ClinGen allele CA704113388.